The following is an entry in ClinVar:

NM_002906.4(RDX):c.304T>C (p.Phe102Leu)

Gene: RDX (radixin; minus strand). Cytogenetic location: 11q22.3.
Variant type: single nucleotide variant.
Coding change: c.304T>C on transcript NM_002906.4 (MANE Select); coding-DNA position 304, T replaced by C.
Protein change: p.Phe102Leu; replaces phenylalanine 102 with leucine.
Molecular consequence: missense variant. On other transcripts: intron variant (2).
Genome position (GRCh38, 1-based): chr11:110,264,123, A>G on the plus strand (T>C on the coding strand, the complement: RDX is on the minus strand). VCF-style: chr11-110264123-A-G. GRCh37 (hg19) VCF-style: chr11-110134848-A-G.
Other names: c.304T>C, p.Phe102Leu (NM_001260492.2, NM_001260493.2); c.208T>C, p.Phe70Leu (NM_001260496.2); c.-83+15558T>C (NM_001260495.2); c.60-5934T>C (NM_001260494.2); short protein forms F102L, F70L.
Identifiers: ClinVar variation 3389359 (VCV003389359.14).

ClinVar aggregate classification (germline): Uncertain significance (1 of 4 stars; one submission).

gnomAD v4.1: 10 of 1,613,950 alleles (0.00062%); highest among the groups gnomAD compares: Admixed American, 0.0017%; no homozygotes.

Submission:

CeGaT Center for Human Genetics Tuebingen
Classification: Uncertain significance. Last evaluated: 2024-11-01. Review status: criteria provided, single submitter. Criteria: CeGaT Center For Human Genetics Tuebingen Variant Classification Criteria Version 2. Collection method: clinical testing. Allele origin: germline. Affected: yes. Observed: 1 variant allele.
Comment: RDX: PM2